The following is an entry in ClinVar:

NM_001199397.3(NEK1):c.1080+20G>A

Gene: NEK1 (NIMA related kinase 1; minus strand). Cytogenetic location: 4q33.
Variant type: single nucleotide variant.
Coding change: c.1080+20G>A on transcript NM_001199397.3 (MANE Select); 20 bases into the intron after coding-DNA position 1080, G replaced by A.
Molecular consequence: intron variant.
Genome position (GRCh38, 1-based): chr4:169,562,117, C>T on the plus strand (G>A on the coding strand, the complement: NEK1 is on the minus strand). VCF-style: chr4-169562117-C-T. GRCh37 (hg19) VCF-style: chr4-170483268-C-T.
Other names: c.1080+20G>A (NM_001374421.1, NM_001374420.1, NM_001199399.3 and 7 more transcripts).
Identifiers: ClinVar variation 506704 (VCV000506704.11), dbSNP rs192292678, ClinGen allele CA3137864.

ClinVar aggregate classification (germline): Benign/Likely benign. Review status: criteria provided, multiple submitters, no conflicts (2 of 4 stars). 3 submissions from 3 submitters: Benign (1); Likely benign (2). Last evaluated 2025-12-01.

Conditions:
Short-rib thoracic dysplasia 6 with or without polydactyly (SRTD6). Also called: Majewski Syndrome; SHORT-RIB THORACIC DYSPLASIA 6 WITH POLYDACTYLY; SHORT-RIB THORACIC DYSPLASIA 6 WITHOUT POLYDACTYLY; SHORT RIB-POLYDACTYLY SYNDROME, TYPE IIA; POLYDACTYLY WITH NEONATAL CHONDRODYSTROPHY, TYPE II. Identifiers: MedGen C0024507, MONDO:0009894, OMIM 263520.

Allele frequency attached by ClinVar (database versions not stated): gnomAD 0.00008 and 0.00022; gnomAD exomes 0.00008 and 0.00040; TOPMed 0.00012; ExAC 0.00056; 1000 Genomes Project 30x 0.00172; 1000 Genomes Project 0.00220.
gnomAD v4.1: 189 of 1,481,646 alleles (0.013%); highest among the groups gnomAD compares: East Asian, 0.2%; 1 homozygote.

Submissions (3):

Labcorp Genetics (formerly Invitae), Labcorp
Classification: Benign for Short-rib thoracic dysplasia 6 with or without polydactyly. Last evaluated: 2025-12-01. Review status: criteria provided, single submitter. Criteria: Invitae Variant Classification Sherloc (09022015). Collection method: clinical testing. Allele origin: germline.

ARUP Laboratories, Molecular Genetics and Genomics, ARUP Laboratories
Classification: Likely benign. Last evaluated: 2022-03-15. Review status: criteria provided, single submitter. Criteria: ARUP Molecular Germline Variant Investigation Process 2021. Collection method: clinical testing. Allele origin: germline.

GeneDx
Classification: Likely benign. Last evaluated: 2017-12-18. Review status: criteria provided, single submitter. Criteria: GeneDx Variant Classification (06012015). Collection method: clinical testing. Allele origin: germline. Affected: yes.
Comment: This variant is considered likely benign or benign based on one or more of the following criteria: it is a conservative change, it occurs at a poorly conserved position in the protein, it is predicted to be benign by multiple in silico algorithms, and/or has population frequency not consistent with disease.